The following is an entry in ClinVar:

ClinVar aggregate classification (germline): Uncertain significance. Review status: criteria provided, multiple submitters, no conflicts (2 of 4 stars). 5 submissions from 5 submitters: Uncertain significance (5). Last evaluated 2024-10-15.

Conditions:
Familial cancer of breast. Also called: BREAST CANCER, FAMILIAL; Hereditary breast cancer; hereditary breast carcinoma. Identifiers: Orphanet 227535, MedGen C0346153, MONDO:0016419, OMIM 114480. Disease mechanism: loss of function.
Ataxia-telangiectasia syndrome (AT). Also called: Cerebello-oculocutaneous telangiectasia; Immunodeficiency with ataxia telangiectasia; Ataxia-telangiectasia, complementation group E; Ataxia-telangiectasia, complementation group D; AT, COMPLEMENTATION GROUP C; ATAXIA-TELANGIECTASIA, COMPLEMENTATION GROUP A. Identifiers: Orphanet 100, MedGen C0004135, MONDO:0008840, OMIM 208900.
Hereditary cancer-predisposing syndrome. Also called: Hereditary Cancer Syndrome; Neoplastic Syndromes, Hereditary; Tumor predisposition; Hereditary neoplastic syndrome. Identifiers: Orphanet 140162, MedGen C0027672, MeSH D009386, MONDO:0015356.

Allele frequency attached by ClinVar (database versions not stated): gnomAD exomes below 0.00001.
gnomAD v4.1: 3 of 1,613,866 alleles (0.00019%); highest among the groups gnomAD compares: Non-Finnish European, 0.00025%; no homozygotes.

Submissions (5):

Ambry Genetics
Classification: Uncertain significance for Hereditary cancer-predisposing syndrome. Last evaluated: 2024-10-15. Review status: criteria provided, single submitter. Criteria: Ambry Variant Classification Scheme 2023. Collection method: clinical testing. Allele origin: germline.
Comment: The p.D2551G variant (also known as c.7652A>G), located in coding exon 51 of the ATM gene, results from an A to G substitution at nucleotide position 7652. The aspartic acid at codon 2551 is replaced by glycine, an amino acid with similar properties. This amino acid position is well conserved in available vertebrate species. In addition, the in silico prediction for this alteration is inconclusive. Since supporting evidence is limited at this time, the clinical significance of this alteration remains unclear.

Labcorp Genetics (formerly Invitae), Labcorp
Classification: Uncertain significance for Ataxia-telangiectasia syndrome. Last evaluated: 2024-04-23. Review status: criteria provided, single submitter. Criteria: Invitae Variant Classification Sherloc (09022015). Collection method: clinical testing. Allele origin: germline.
Comment: This sequence change replaces aspartic acid, which is acidic and polar, with glycine, which is neutral and non-polar, at codon 2551 of the ATM protein (p.Asp2551Gly). RNA analysis indicates that this missense change induces altered splicing and likely results in a shortened protein product. This variant is not present in population databases (gnomAD no frequency). This variant has not been reported in the literature in individuals affected with ATM-related conditions. ClinVar contains an entry for this variant (Variation ID: 581021). An algorithm developed to predict the effect of missense changes on protein structure and function (PolyPhen-2) suggests that this variant is likely to be disruptive. Studies have shown that this missense change results in skipping of exon 52, but is expected to preserve the integrity of the reading-frame (Invitae). In summary, the available evidence is currently insufficient to determine the role of this variant in disease. Therefore, it has been classified as a Variant of Uncertain Significance.

Color Diagnostics, LLC DBA Color Health
Classification: Uncertain significance for Hereditary cancer-predisposing syndrome. Last evaluated: 2024-03-06. Review status: criteria provided, single submitter. Criteria: ACMG Guidelines, 2015. Collection method: clinical testing. Allele origin: germline.
Comment: This missense variant replaces aspartic acid with glycine at codon 2551 of the ATM protein. Computational prediction suggests that this variant may have deleterious impact on protein structure and function (internally defined REVEL score threshold >= 0.7, PMID: 27666373). To our knowledge, functional studies have not been reported for this variant. This variant has not been reported in individuals affected with hereditary cancer in the literature. This variant has not been identified in the general population by the Genome Aggregation Database (gnomAD). The available evidence is insufficient to determine the role of this variant in disease conclusively. Therefore, this variant is classified as a Variant of Uncertain Significance.

Fulgent Genetics
Classification: Uncertain significance for Familial cancer of breast; Ataxia-telangiectasia syndrome. Last evaluated: 2022-05-18. Review status: criteria provided, single submitter. Criteria: ACMG Guidelines, 2015. Collection method: clinical testing. Allele origin: unknown.

GeneDx
Classification: Uncertain significance. Last evaluated: 2020-03-10. Review status: criteria provided, single submitter. Criteria: GeneDx Variant Classification Process June 2021. Collection method: clinical testing. Allele origin: germline. Affected: yes.
Comment: Not observed in large population cohorts (Lek 2016); In silico analysis supports that this missense variant has a deleterious effect on protein structure/function; Has not been previously published as pathogenic or benign to our knowledge

NM_000051.4(ATM):c.7652A>G (p.Asp2551Gly)

Genes: ATM (ATM serine/threonine kinase; plus strand), C11orf65 (chromosome 11 open reading frame 65; minus strand). Cytogenetic location: 11q22.3.
Variant type: single nucleotide variant.
Coding change: c.7652A>G on transcript NM_000051.4 (MANE Select); coding-DNA position 7652, A replaced by G.
Protein change: p.Asp2551Gly; replaces aspartic acid 2551 with glycine.
Molecular consequence: missense variant. On other transcripts: intron variant (2).
Genome position (GRCh38, 1-based): chr11:108,331,901, A>G. VCF-style: chr11-108331901-A-G. GRCh37 (hg19) VCF-style: chr11-108202628-A-G.
Other names: c.7652A>G, p.Asp2551Gly (NM_001351834.2); c.641-22830T>C (NM_001330368.2); c.*38+3319T>C (NM_001351110.2); short protein forms D2551G.
Identifiers: ClinVar variation 581021 (VCV000581021.20), dbSNP rs1565533613, ClinGen allele CA382560934.